The following is an entry in ClinVar:

ClinVar aggregate classification (germline): Likely benign. Review status: criteria provided, multiple submitters, no conflicts (2 of 4 stars). 3 submissions from 3 submitters: Likely benign (3). Last evaluated 2025-10-18.

Conditions:
DNMT1-related disorder. Also called: DNMT1-related condition. Identifiers: MedGen CN381527.
Hereditary sensory neuropathy-deafness-dementia syndrome. Also called: Hereditary Sensory and Autonomic Neuropathy Type 1E (HSAN1E); Hereditary sensory neuropathy type IE; HSN IE; NEUROPATHY, HEREDITARY SENSORY, WITH HEARING LOSS AND DEMENTIA. Identifiers: Orphanet 456318, MedGen C3279885, MONDO:0013584, OMIM 614116.

Allele frequency attached by ClinVar (database versions not stated): gnomAD 0.00001; gnomAD exomes 0.00002 and 0.00003; TOPMed 0.00002.
gnomAD v4.1: 44 of 1,614,024 alleles (0.0027%); highest among the groups gnomAD compares: Middle Eastern, 0.016%; no homozygotes.

Submissions (3):

Labcorp Genetics (formerly Invitae), Labcorp
Classification: Likely benign for Hereditary sensory neuropathy-deafness-dementia syndrome. Last evaluated: 2025-10-18. Review status: criteria provided, single submitter. Criteria: Invitae Variant Classification Sherloc (09022015). Collection method: clinical testing. Allele origin: germline.

PreventionGenetics, part of Exact Sciences
Classification: Likely benign for DNMT1-related condition. Last evaluated: 2025-06-24. Review status: criteria provided, single submitter. Criteria: ACMG Guidelines, 2015. Collection method: clinical testing. Allele origin: germline.
Comment: This variant is classified as likely benign based on ACMG/AMP sequence variant interpretation guidelines (Richards et al. 2015 PMID: 25741868, with internal and published modifications).

Mayo Clinic Laboratories, Mayo Clinic
Classification: Likely benign. Last evaluated: 2025-02-07. Review status: criteria provided, single submitter. Criteria: ACMG Guidelines, 2015. Collection method: clinical testing. Allele origin: germline. Observed: 1 variant allele.
Comment: BS2, BP4, BP7

NM_001130823.3(DNMT1):c.2310G>A (p.Ala770=)

Gene: DNMT1 (DNA methyltransferase 1; minus strand). Cytogenetic location: 19p13.2.
Variant type: single nucleotide variant.
Coding change: c.2310G>A on transcript NM_001130823.3 (MANE Select); coding-DNA position 2310, G replaced by A.
Protein change: p.Ala770=; no amino-acid change (alanine 770 retained).
Molecular consequence: synonymous variant.
Genome position (GRCh38, 1-based): chr19:10,149,924, C>T on the plus strand (G>A on the coding strand, the complement: DNMT1 is on the minus strand). VCF-style: chr19-10149924-C-T. GRCh37 (hg19) VCF-style: chr19-10260600-C-T.
Other names: p.Ala770=; c.2262G>A, p.Ala754= (NM_001318730.2, NM_001379.4); c.1947G>A, p.Ala649= (NM_001318731.2); c.2310G>A (NM_001130823.2).
Identifiers: ClinVar variation 1413455 (VCV001413455.8), dbSNP rs771365059, ClinGen allele CA9188083.